The following is an entry in ClinVar:

ClinVar aggregate classification (germline): Uncertain significance (1 of 4 stars; one submission).

Submission:

Labcorp Genetics (formerly Invitae), Labcorp
Classification: Uncertain significance. Last evaluated: 2024-08-12. Review status: criteria provided, single submitter. Criteria: Invitae Variant Classification Sherloc (09022015). Collection method: clinical testing. Allele origin: germline.
Comment: This sequence change replaces cysteine, which is neutral and slightly polar, with leucine, which is neutral and non-polar, at codon 385 of the ANKZF1 protein (p.Cys385Leu). Information on the frequency of this variant in the gnomAD database is not available, as this variant may be reported differently in the database. This variant has not been reported in the literature in individuals affected with ANKZF1-related conditions. Experimental studies and prediction algorithms are not available or were not evaluated, and the functional significance of this variant is currently unknown. In summary, the available evidence is currently insufficient to determine the role of this variant in disease. Therefore, it has been classified as a Variant of Uncertain Significance.

NM_018089.3(ANKZF1):c.1154_1156delinsTAC (p.Cys385Leu)

Gene: ANKZF1 (ankyrin repeat and zinc finger peptidyl tRNA hydrolase 1; plus strand). Cytogenetic location: 2q35.
Variant type: Indel.
Coding change: c.1154_1156delinsTAC on transcript NM_018089.3 (MANE Select); coding-DNA positions 1154 to 1156, GCA replaced by TAC.
Protein change: p.Cys385Leu; replaces cysteine 385 with leucine.
Molecular consequence: missense variant.
Genome position (GRCh38, 1-based): chr2:219,234,238-219,234,240, GCA replaced by TAC. VCF-style: chr2-219234238-GCA-TAC. GRCh37 (hg19) VCF-style: chr2-220098960-GCA-TAC.
Other names: c.1154_1156delinsTAC, p.Cys385Leu (NM_001042410.2); c.524_526delinsTAC, p.Cys175Leu (NM_001282792.2); short protein forms C385L, C175L.
Identifiers: ClinVar variation 2980763 (VCV002980763.3), dbSNP rs2544923515, ClinGen allele CA2740096470.